The following is an entry in ClinVar:

NM_000548.5(TSC2):c.3777del (p.Ser1259fs)

Gene: TSC2 (TSC complex subunit 2; plus strand). Cytogenetic location: 16p13.3.
Variant type: Deletion.
Coding change: c.3777del on transcript NM_000548.5 (MANE Select); coding-DNA position 3777, one base deleted (C; older notation c.3777delC).
Protein change: p.Ser1259fs; shifts the reading frame from serine 1259.
Molecular consequence: frameshift variant.
Genome position (GRCh38, 1-based): chr16:2,081,761, C deleted. VCF-style (leftmost placement, unchanged base first): chr16-2081760-GC-G. GRCh37 (hg19) VCF-style: chr16-2131761-GC-G.
Other names: c.3645del, p.Ser1215fs (NM_001077183.3, NM_001370404.1); c.3777del, p.Ser1259fs (NM_001114382.3); c.3537del, p.Ser1179fs (NM_001318827.2); c.3501del, p.Ser1167fs (NM_001318829.2); c.3045del, p.Ser1015fs (NM_001318831.2); c.3678del, p.Ser1226fs (NM_001318832.2); c.3648del, p.Ser1216fs (NM_001363528.2, NM_001370405.1, NM_021055.3); short protein forms S1015fs, S1215fs, S1179fs, S1216fs, S1226fs, S1167fs, S1259fs.
Identifiers: ClinVar variation 427987 (VCV000427987.10), dbSNP rs1114167459, ClinGen allele CA645369666.

ClinVar aggregate classification (germline): Pathogenic. Review status: criteria provided, multiple submitters, no conflicts (2 of 4 stars). 2 submissions from 2 submitters: Pathogenic (2). Last evaluated 2024-01-17.

Conditions:
Hereditary cancer-predisposing syndrome. Also called: Hereditary neoplastic syndrome; Tumor predisposition; Neoplastic Syndromes, Hereditary; Hereditary Cancer Syndrome. Identifiers: Orphanet 140162, MedGen C0027672, MeSH D009386, MONDO:0015356.
Tuberous sclerosis 2 (TSC2). Identifiers: Orphanet 805, MedGen C1860707, MONDO:0013199, OMIM 613254.

Submissions (2):

Labcorp Genetics (formerly Invitae), Labcorp
Classification: Pathogenic for Tuberous sclerosis 2. Last evaluated: 2024-01-17. Review status: criteria provided, single submitter. Criteria: Invitae Variant Classification Sherloc (09022015). Collection method: clinical testing. Allele origin: germline.
Comment: This sequence change creates a premature translational stop signal (p.Ser1259Argfs*66) in the TSC2 gene. It is expected to result in an absent or disrupted protein product. Loss-of-function variants in TSC2 are known to be pathogenic (PMID: 10205261, 17304050). This variant is not present in population databases (gnomAD no frequency). This variant has not been reported in the literature in individuals affected with TSC2-related conditions. ClinVar contains an entry for this variant (Variation ID: 427987). For these reasons, this variant has been classified as Pathogenic.

Ambry Genetics
Classification: Pathogenic for Hereditary cancer-predisposing syndrome. Last evaluated: 2015-12-30. Review status: criteria provided, single submitter. Criteria: Ambry Variant Classification Scheme 2023. Collection method: clinical testing. Allele origin: germline.
Comment: The c.3777delC pathogenic mutation, located in coding exon 30 of the TSC2 gene, results from a deletion of one nucleotide at position 3777, causing a translational frameshift with a predicted alternate stop codon. Since frameshifts are typically deleterious in nature, this alteration is interpreted as a disease-causing mutation (ACMG Recommendations for Standards for Interpretation and Reporting of Sequence Variations. Revision 2007. Genet Med. 2008;10:294).

Literature cited by the submitters: PubMed 10205261 (cited by Labcorp Genetics (formerly Invitae), Labcorp); PubMed 17304050 (cited by Labcorp Genetics (formerly Invitae), Labcorp).